The following is an entry in ClinVar:

ClinVar aggregate classification (germline): Uncertain significance (0 of 4 stars; one submission).

Conditions:
NRP2-related disorder. Also called: NRP2-related condition.

gnomAD v4.1: 6 of 1,614,214 alleles (0.00037%); highest among the groups gnomAD compares: Non-Finnish European, 0.00051%; no homozygotes.

Submission:

PreventionGenetics, part of Exact Sciences
Classification: Uncertain significance for NRP2-related condition. Last evaluated: 2024-05-13. Review status: no assertion criteria provided. Collection method: clinical testing. Allele origin: germline.
Comment: The NRP2 c.1913T>C variant is predicted to result in the amino acid substitution p.Leu638Ser. To our knowledge, this variant has not been reported in the literature or in a large population database, indicating this variant is rare. At this time, the clinical significance of this variant is uncertain due to the absence of conclusive functional and genetic evidence.

NM_003872.3(NRP2):c.1913T>C (p.Leu638Ser)

Genes: NRP2 (neuropilin 2; plus strand), LOC126806481 (CDK7 strongly-dependent group 2 enhancer GRCh37_chr2:206617009-206618208; plus strand). Cytogenetic location: 2q33.3.
Variant type: single nucleotide variant.
Coding change: c.1913T>C on transcript NM_003872.3 (MANE Select); coding-DNA position 1913, T replaced by C.
Protein change: p.Leu638Ser; replaces leucine 638 with serine.
Molecular consequence: missense variant.
Genome position (GRCh38, 1-based): chr2:205,752,844, T>C. VCF-style: chr2-205752844-T-C. GRCh37 (hg19) VCF-style: chr2-206617568-T-C.
Other names: c.1913T>C, p.Leu638Ser (NM_018534.4, NM_201266.2, NM_201267.2 and 1 more transcripts); short protein forms L638S.
Identifiers: ClinVar variation 3358092 (VCV003358092.1).
Genomic context (GRCh38, chr2:205,752,844, plus strand): 5'-TCTGAACCCATTTCATTTGCCTTCCTTTGGGTTATTGTTTTCCCCTTTTAGACAAAGATT[T>C]GCAGCTCCCTTCGGGATTCAATTGCAACTTCGATTTCCTCGAGGAGCCCTGTGGTTGGAT-3'
Protein context (NP_003863.2, residues 628-648): ENCSFEDDKD[Leu638Ser]QLPSGFNCNF